The following is an entry in ClinVar:

ClinVar aggregate classification (germline): Uncertain significance. Review status: criteria provided, multiple submitters, no conflicts (2 of 4 stars). 2 submissions from 2 submitters: Uncertain significance (2). Last evaluated 2026-01-19.

Conditions:
Inborn genetic diseases. Identifiers: MedGen C0950123, MeSH D030342.

Allele frequency attached by ClinVar (database versions not stated): gnomAD exomes 0.00001.
gnomAD v4.1: 7 of 1,581,548 alleles (0.00044%); highest among the groups gnomAD compares: Non-Finnish European, 0.0006%; no homozygotes.

Submissions (2):

Labcorp Genetics (formerly Invitae), Labcorp
Classification: Uncertain significance. Last evaluated: 2026-01-19. Review status: criteria provided, single submitter. Criteria: Invitae Variant Classification Sherloc (09022015). Collection method: clinical testing. Allele origin: germline.
Comment: This sequence change replaces valine, which is neutral and non-polar, with methionine, which is neutral and non-polar, at codon 815 of the GUCY2C protein (p.Val815Met). This variant is not present in population databases (gnomAD no frequency). This variant has not been reported in the literature in individuals affected with GUCY2C-related conditions. ClinVar contains an entry for this variant (Variation ID: 1474365). Invitae Evidence Modeling of protein sequence and biophysical properties (such as structural, functional, and spatial information, amino acid conservation, physicochemical variation, residue mobility, and thermodynamic stability) indicates that this missense variant is expected to disrupt GUCY2C protein function with a positive predictive value of 80%. In summary, the available evidence is currently insufficient to determine the role of this variant in disease. Therefore, it has been classified as a Variant of Uncertain Significance.

Ambry Genetics
Classification: Uncertain significance for Inborn genetic diseases. Last evaluated: 2025-11-20. Review status: criteria provided, single submitter. Criteria: Ambry Variant Classification Scheme 2023. Collection method: clinical testing. Allele origin: germline.

NM_004963.4(GUCY2C):c.2443G>A (p.Val815Met)

Gene: GUCY2C (guanylate cyclase 2C; minus strand). Cytogenetic location: 12p12.3.
Variant type: single nucleotide variant.
Coding change: c.2443G>A on transcript NM_004963.4 (MANE Select); coding-DNA position 2443, G replaced by A.
Protein change: p.Val815Met; replaces valine 815 with methionine.
Molecular consequence: missense variant.
Genome position (GRCh38, 1-based): chr12:14,622,163, C>T on the plus strand (G>A on the coding strand, the complement: GUCY2C is on the minus strand). VCF-style: chr12-14622163-C-T. GRCh37 (hg19) VCF-style: chr12-14775097-C-T.
Other names: c.2443G>A (NM_004963.3); short protein forms V815M.
Identifiers: ClinVar variation 1474365 (VCV001474365.9), dbSNP rs2136983085, ClinGen allele CA383995611.